The following is an entry in ClinVar:

NM_000368.5(TSC1):c.2013C>A (p.Ser671Arg)

Gene: TSC1 (TSC complex subunit 1; minus strand). Cytogenetic location: 9q34.13.
Variant type: single nucleotide variant.
Coding change: c.2013C>A on transcript NM_000368.5 (MANE Select); coding-DNA position 2013, C replaced by A.
Protein change: p.Ser671Arg; replaces serine 671 with arginine.
Molecular consequence: missense variant.
Genome position (GRCh38, 1-based): chr9:132,904,439, G>T on the plus strand (C>A on the coding strand, the complement: TSC1 is on the minus strand). VCF-style: chr9-132904439-G-T. GRCh37 (hg19) VCF-style: chr9-135779826-G-T.
Other names: c.2010C>A, p.Ser670Arg (NM_001162426.2); c.1860C>A, p.Ser620Arg (NM_001162427.2); c.1650C>A, p.Ser550Arg (NM_001362177.2); short protein forms S550R, S620R, S670R, S671R.
Identifiers: ClinVar variation 1010024 (VCV001010024.8), dbSNP rs1845545985, ClinGen allele CA375361409.
Genomic context (GRCh38, chr9:132,904,439, plus strand): 5'-GGCTGGATTTGGAGCTAAAGTAACAACTTTACCTCCAAAGTGGGTCCAGTCGACAGACTT[G>T]CTGGGTAAAGGCAACCTAGGAAGAAAGTTTTTGAGTAACAAAGTTACCGATCTTACCAAG-3'
Protein context (NP_000359.1, residues 661-681): SKELNKLPLP[Ser671Arg]KSVDWTHFGG

ClinVar aggregate classification (germline): Uncertain significance (1 of 4 stars; one submission).

Conditions:
Tuberous sclerosis 1 (TSC1). Identifiers: Orphanet 805, MedGen C1854465, MONDO:0008612, OMIM 191100.

Allele frequency attached by ClinVar (database versions not stated): gnomAD exomes below 0.00001.

Submission:

Labcorp Genetics (formerly Invitae), Labcorp
Classification: Uncertain significance for Tuberous sclerosis 1. Last evaluated: 2020-08-07. Review status: criteria provided, single submitter. Criteria: Invitae Variant Classification Sherloc (09022015). Collection method: clinical testing. Allele origin: germline.
Comment: In summary, the available evidence is currently insufficient to determine the role of this variant in disease. Therefore, it has been classified as a Variant of Uncertain Significance. Algorithms developed to predict the effect of missense changes on protein structure and function are either unavailable or do not agree on the potential impact of this missense change (SIFT: "Deleterious"; PolyPhen-2: "Probably Damaging"; Align-GVGD: "Class C0"). This variant has not been reported in the literature in individuals with TSC1-related conditions. This variant is not present in population databases (ExAC no frequency). This sequence change replaces serine with arginine at codon 671 of the TSC1 protein (p.Ser671Arg). The serine residue is highly conserved and there is a moderate physicochemical difference between serine and arginine.